The following is an entry in ClinVar:

ClinVar aggregate classification (germline): Uncertain significance (1 of 4 stars; one submission).

Conditions:
Cardiovascular phenotype. Identifiers: MedGen CN230736.

Submission:

Ambry Genetics
Classification: Uncertain significance for Cardiovascular phenotype. Last evaluated: 2023-08-23. Review status: criteria provided, single submitter. Criteria: Ambry Variant Classification Scheme 2023. Collection method: clinical testing. Allele origin: germline.
Comment: The p.G2314E variant (also known as c.6941G>A), located in coding exon 48 of the DMD gene, results from a G to A substitution at nucleotide position 6941. The glycine at codon 2314 is replaced by glutamic acid, an amino acid with similar properties. This amino acid position is poorly conserved in available vertebrate species. In addition, this alteration is predicted to be tolerated by in silico analysis. Since supporting evidence is limited at this time, the clinical significance of this alteration remains unclear.

NM_004006.3(DMD):c.6941G>A (p.Gly2314Glu)

Gene: DMD (dystrophin; minus strand). Cytogenetic location: Xp21.1.
Variant type: single nucleotide variant.
Coding change: c.6941G>A on transcript NM_004006.3 (MANE Select); coding-DNA position 6941, G replaced by A.
Protein change: p.Gly2314Glu; replaces glycine 2314 with glutamic acid.
Molecular consequence: missense variant. On other transcripts: 5 prime UTR variant (5).
Genome position (GRCh38, 1-based): chrX:31,875,345, C>T on the plus strand (G>A on the coding strand, the complement: DMD is on the minus strand). VCF-style: chrX-31875345-C-T. GRCh37 (hg19) VCF-style: chrX-31893462-C-T.
Other names: c.6917G>A, p.Gly2306Glu (NM_000109.4); c.6929G>A, p.Gly2310Glu (NM_004009.3); c.6572G>A, p.Gly2191Glu (NM_004010.3); c.2918G>A, p.Gly973Glu (NM_004011.4); c.2909G>A, p.Gly970Glu (NM_004012.4); c.-440G>A (NM_004013.3, NM_004020.4, NM_004021.3 and 2 more transcripts); short protein forms G2314E, G970E, G2191E, G2310E, G973E, G2306E.
Identifiers: ClinVar variation 2626681 (VCV002626681.2), dbSNP rs2532456579, ClinGen allele CA412660211.
Genomic context (GRCh38, chrX:31,875,345, plus strand): 5'-TCAAGGTCTTCAAGCTTTTTTTCAAGCTGCCCAAGGTCTTTTATTTGAGCTTCAATTTCT[C>T]CTTGTTTCTCAGGTAAAGCTCTGGAAACCTGAAAGGAAAATACATTTTAAAAAGGTAAAT-3'
Protein context (NP_003997.2, residues 2304-2324): KVSRALPEKQ[Gly2314Glu]EIEAQIKDLG